The following is an entry in ClinVar:

NM_004990.4(MARS1):c.148G>A (p.Val50Ile)

Gene: MARS1 (methionyl-tRNA synthetase 1; plus strand). Cytogenetic location: 12q13.3.
Variant type: single nucleotide variant.
Coding change: c.148G>A on transcript NM_004990.4 (MANE Select); coding-DNA position 148, G replaced by A.
Protein change: p.Val50Ile; replaces valine 50 with isoleucine.
Molecular consequence: missense variant.
Genome position (GRCh38, 1-based): chr12:57,489,057, G>A. VCF-style: chr12-57489057-G-A. GRCh37 (hg19) VCF-style: chr12-57882840-G-A.
Other names: short protein forms V50I.
Identifiers: ClinVar variation 1908844 (VCV001908844.6), dbSNP rs2540254403, ClinGen allele CA385490361.

ClinVar aggregate classification (germline): Uncertain significance. Review status: criteria provided, multiple submitters, no conflicts (2 of 4 stars). 2 submissions from 2 submitters: Uncertain significance (2). Last evaluated 2025-06-19.

Conditions:
Severe early-onset pulmonary alveolar proteinosis due to MARS deficiency. Also called: PULMONARY ALVEOLAR PROTEINOSIS, REUNION ISLAND; Interstitial lung and liver disease. Identifiers: Orphanet 440427, MedGen C4225400, MONDO:0014206, OMIM 615486.
Charcot-Marie-Tooth disease axonal type 2U. Also called: CHARCOT-MARIE-TOOTH NEUROPATHY, TYPE 2U; CHARCOT-MARIE-TOOTH DISEASE, AXONAL, AUTOSOMAL DOMINANT, TYPE 2U. Identifiers: Orphanet 397735, MedGen C4084821, MONDO:0014566, OMIM 616280.

Submissions (2):

Genetics Department, Catlab
Classification: Uncertain significance for Charcot-Marie-Tooth disease axonal type 2U. Last evaluated: 2025-06-19. Review status: criteria provided, single submitter. Criteria: ACMG Guidelines, 2015. Collection method: clinical testing. Allele origin: germline. Affected: yes. Observed: 1 variant allele.
Comment: The c.148G>A variant in the MARS1 gene changes a valine for an isoleucine at position 50 of the protein. This change is absent from gnomAD v4.1 (PM2_moderate) and the prediction tool REVEL scores the variant with 0.150 (BP4_moderate). With all the available evidence, the variant is classified as of uncertain significance.

Labcorp Genetics (formerly Invitae), Labcorp
Classification: Uncertain significance for Charcot-Marie-Tooth disease axonal type 2U; Severe early-onset pulmonary alveolar proteinosis due to MARS deficiency. Last evaluated: 2022-08-02. Review status: criteria provided, single submitter. Criteria: Invitae Variant Classification Sherloc (09022015). Collection method: clinical testing. Allele origin: germline.
Comment: In summary, the available evidence is currently insufficient to determine the role of this variant in disease. Therefore, it has been classified as a Variant of Uncertain Significance. Algorithms developed to predict the effect of missense changes on protein structure and function (SIFT, PolyPhen-2, Align-GVGD) all suggest that this variant is likely to be tolerated. This variant has not been reported in the literature in individuals affected with MARS-related conditions. This variant is not present in population databases (gnomAD no frequency). This sequence change replaces valine, which is neutral and non-polar, with isoleucine, which is neutral and non-polar, at codon 50 of the MARS protein (p.Val50Ile).